The following is an entry in ClinVar:

ClinVar aggregate classification (germline): Uncertain significance. Review status: criteria provided, multiple submitters, no conflicts (2 of 4 stars). 2 submissions from 2 submitters: Uncertain significance (2). Last evaluated 2025-04-10.

Conditions:
Congenital factor V deficiency. Also called: Hereditary factor V deficiency disease; LABILE FACTOR DEFICIENCY; OWREN PARAHEMOPHILIA; PARAHEMOPHILIA. Identifiers: Orphanet 326, MedGen C0015499, MONDO:0009210, OMIM 227400.
Inborn genetic diseases. Identifiers: MedGen C0950123, MeSH D030342.

Submissions (2):

Ambry Genetics
Classification: Uncertain significance for Inborn genetic diseases. Last evaluated: 2025-04-10. Review status: criteria provided, single submitter. Criteria: Ambry Variant Classification Scheme 2023. Collection method: clinical testing. Allele origin: germline.

Labcorp Genetics (formerly Invitae), Labcorp
Classification: Uncertain significance for Congenital factor V deficiency. Last evaluated: 2024-06-19. Review status: criteria provided, single submitter. Criteria: Invitae Variant Classification Sherloc (09022015). Collection method: clinical testing. Allele origin: germline.
Comment: This sequence change replaces glycine, which is neutral and non-polar, with arginine, which is basic and polar, at codon 1889 of the F5 protein (p.Gly1889Arg). This variant is present in population databases (rs764069752, gnomAD 0.007%). This variant has not been reported in the literature in individuals affected with F5-related conditions. An algorithm developed to predict the effect of missense changes on protein structure and function (PolyPhen-2) suggests that this variant is likely to be disruptive. Algorithms developed to predict the effect of sequence changes on RNA splicing suggest that this variant may disrupt the consensus splice site. In summary, the available evidence is currently insufficient to determine the role of this variant in disease. Therefore, it has been classified as a Variant of Uncertain Significance.

NM_000130.5(F5):c.5665G>A (p.Gly1889Arg)

Gene: F5 (coagulation factor V; minus strand). Cytogenetic location: 1q24.2.
Variant type: single nucleotide variant.
Coding change: c.5665G>A on transcript NM_000130.5 (MANE Select); coding-DNA position 5665, G replaced by A.
Protein change: p.Gly1889Arg; replaces glycine 1889 with arginine.
Molecular consequence: missense variant.
Genome position (GRCh38, 1-based): chr1:169,525,952, C>T on the plus strand (G>A on the coding strand, the complement: F5 is on the minus strand). VCF-style: chr1-169525952-C-T. GRCh37 (hg19) VCF-style: chr1-169495190-C-T.
Other names: short protein forms G1889R.
Identifiers: ClinVar variation 3710535 (VCV003710535.3).